The following is an entry in ClinVar:

ClinVar aggregate classification (germline): Likely benign. Review status: criteria provided, multiple submitters, no conflicts (2 of 4 stars). 3 submissions from 3 submitters: Likely benign (3). Last evaluated 2026-06-08.

Conditions:
Hereditary pheochromocytoma and paraganglioma. Also called: Hereditary pheochromocytoma-paraganglioma; Hereditary Paraganglioma-Pheochromocytoma Syndromes; Hereditary paragangliomas and pheochromocytomas. Identifiers: Orphanet 29072, MedGen C4274332, MONDO:0017366.
Pheochromocytoma. Also called: MAX-Related Hereditary Paraganglioma-Pheochromocytoma Syndrome. Identifiers: Orphanet 29072, MedGen C0031511, MONDO:0008233, OMIM 171300, HP:0002666.

Allele frequency attached by ClinVar (database versions not stated): gnomAD exomes below 0.00001 and 0.00001; TOPMed 0.00004; ExAC 0.00001; gnomAD 0.00003.
gnomAD v4.1: 11 of 1,614,222 alleles (0.00068%); highest among the groups gnomAD compares: African/African-American, 0.011%; no homozygotes.

Submissions (3):

Myriad Genetics, Inc.
Classification: Likely benign for Pheochromocytoma. Last evaluated: 2026-06-08. Review status: criteria provided, single submitter. Criteria: Myriad Autosomal Dominant, Autosomal Recessive and X-Linked Classification Criteria (2023). Collection method: clinical testing. Allele origin: unknown.
Comment: This variant is considered likely benign. This variant is intronic and is not expected to impact mRNA splicing.

Labcorp Genetics (formerly Invitae), Labcorp
Classification: Likely benign for Hereditary pheochromocytoma and paraganglioma. Last evaluated: 2025-12-02. Review status: criteria provided, single submitter. Criteria: Invitae Variant Classification Sherloc (09022015). Collection method: clinical testing. Allele origin: germline.

Quest Diagnostics Nichols Institute San Juan Capistrano
Classification: Likely benign. Last evaluated: 2023-01-10. Review status: criteria provided, single submitter. Criteria: Quest Diagnostics criteria. Collection method: clinical testing. Allele origin: unknown.

NM_002382.5(MAX):c.295+8C>G

Gene: MAX (MYC associated transcriptional regulator X; minus strand). Cytogenetic location: 14q23.3.
Variant type: single nucleotide variant.
Coding change: c.295+8C>G on transcript NM_002382.5 (MANE Select); 8 bases into the intron after coding-DNA position 295, C replaced by G.
Molecular consequence: intron variant.
Genome position (GRCh38, 1-based): chr14:65,077,905, G>C on the plus strand (C>G on the coding strand, the complement: MAX is on the minus strand). VCF-style: chr14-65077905-G-C. GRCh37 (hg19) VCF-style: chr14-65544623-G-C.
Other names: c.268+8C>G (NM_145112.3); c.21+8C>G (NM_001320415.2); c.295+8C>G (NM_145113.3); c.144+15803C>G (NM_001271069.2); c.171+15803C>G (NM_197957.4).
Identifiers: ClinVar variation 463806 (VCV000463806.12), dbSNP rs754409025, ClinGen allele CA7232906.
Genomic context (GRCh38, chr14:65,077,905, plus strand): 5'-CCAGGTGCCAAAGCCTGACCTGGCTGGAGCACAGCAGGGCCAGCTGCCCCACGAGCTCGG[G>C]TGCTCACCTTGCTGCTCCAGAAGAGCATTCTGCCGCTTGAGGTCGTCAATATCTTGCTGG-3'